The following is an entry in ClinVar:

NM_015896.4(ZMYND10):c.1073A>G (p.Gln358Arg)

Gene: ZMYND10 (zinc finger MYND-type containing 10; minus strand). Cytogenetic location: 3p21.31.
Variant type: single nucleotide variant.
Coding change: c.1073A>G on transcript NM_015896.4 (MANE Select); coding-DNA position 1073, A replaced by G.
Protein change: p.Gln358Arg; replaces glutamine 358 with arginine.
Molecular consequence: missense variant.
Genome position (GRCh38, 1-based): chr3:50,341,858, T>C on the plus strand (A>G on the coding strand, the complement: ZMYND10 is on the minus strand). VCF-style: chr3-50341858-T-C. GRCh37 (hg19) VCF-style: chr3-50379289-T-C.
Other names: c.1058A>G, p.Gln353Arg (NM_001308379.2); short protein forms Q358R, Q353R.
Identifiers: ClinVar variation 241066 (VCV000241066.20), dbSNP rs114329675, ClinGen allele CA2417006.

ClinVar aggregate classification (germline): Benign/Likely benign. Review status: criteria provided, multiple submitters, no conflicts (2 of 4 stars). 4 submissions from 4 submitters: Benign (2); Likely benign (2). Last evaluated 2026-01-23.

Conditions:
Primary ciliary dyskinesia 22. Also called: CILIARY DYSKINESIA, PRIMARY, 22, WITH OR WITHOUT SITUS INVERSUS. Identifiers: Orphanet 244, MedGen C3809543, MONDO:0014192, OMIM 615444.
Primary ciliary dyskinesia. Also called: Ciliary dyskinesia. Identifiers: Orphanet 244, MedGen C0008780, MONDO:0016575, HP:0012265.

Allele frequency attached by ClinVar (database versions not stated): gnomAD exomes 0.00073 and 0.00145; ExAC 0.00169; gnomAD 0.00510 and 0.00540; 1000 Genomes Project 30x 0.00515; ESP Exome Variant Server 0.00523; TOPMed 0.00575; 1000 Genomes Project 0.00579.
gnomAD v4.1: 1,933 of 1,614,112 alleles (0.12%); highest among the groups gnomAD compares: African/African-American, 1.9%; 23 homozygotes.

Submissions (4):

Labcorp Genetics (formerly Invitae), Labcorp
Classification: Benign for Primary ciliary dyskinesia. Last evaluated: 2026-01-23. Review status: criteria provided, single submitter. Criteria: Invitae Variant Classification Sherloc (09022015). Collection method: clinical testing. Allele origin: germline.

GeneDx
Classification: Likely benign. Last evaluated: 2023-11-30. Review status: criteria provided, single submitter. Criteria: GeneDx Variant Classification Process June 2021. Collection method: clinical testing. Allele origin: germline. Affected: yes.
Comment: See Variant Classification Assertion Criteria.

ARUP Laboratories, Molecular Genetics and Genomics, ARUP Laboratories
Classification: Benign for Primary ciliary dyskinesia 22. Last evaluated: 2022-01-31. Review status: criteria provided, single submitter. Criteria: ARUP Molecular Germline Variant Investigation Process 2021. Collection method: clinical testing. Allele origin: germline.

Breakthrough Genomics
Classification: Likely benign. Review status: criteria provided, single submitter. Criteria: ACMG Guidelines, 2015. Collection method: not provided. Allele origin: germline. Inheritance: Autosomal recessive inheritance. Affected: yes.